The following is an entry in ClinVar:

ClinVar aggregate classification (germline): Uncertain significance. Review status: criteria provided, multiple submitters, no conflicts (2 of 4 stars). 4 submissions from 4 submitters: Uncertain significance (4). Last evaluated 2025-02-13.

Conditions:
Meckel syndrome, type 11 (MKS11). Identifiers: Orphanet 564, MedGen C3809352, MONDO:0014164, OMIM 615397.
Joubert syndrome 20 (JBTS20). Identifiers: Orphanet 475, MedGen C3554235, MONDO:0013994, OMIM 614970.
Inborn genetic diseases. Identifiers: MedGen C0950123, MeSH D030342.

Allele frequency attached by ClinVar (database versions not stated): gnomAD exomes 0.00001; ExAC 0.00003; gnomAD 0.00003 and 0.00004; TOPMed 0.00011.
gnomAD v4.1: 28 of 1,612,508 alleles (0.0017%); highest among the groups gnomAD compares: Admixed American, 0.005%; no homozygotes.

Submissions (4):

Ambry Genetics
Classification: Uncertain significance for Inborn genetic diseases. Last evaluated: 2025-02-13. Review status: criteria provided, single submitter. Criteria: Ambry Variant Classification Scheme 2023. Collection method: clinical testing. Allele origin: germline.

Fulgent Genetics
Classification: Uncertain significance for Joubert syndrome 20; Meckel syndrome, type 11. Last evaluated: 2024-05-16. Review status: criteria provided, single submitter. Criteria: ACMG Guidelines, 2015. Collection method: clinical testing. Allele origin: germline.

Labcorp Genetics (formerly Invitae), Labcorp
Classification: Uncertain significance for Joubert syndrome 20; Meckel syndrome, type 11. Last evaluated: 2022-08-23. Review status: criteria provided, single submitter. Criteria: Invitae Variant Classification Sherloc (09022015). Collection method: clinical testing. Allele origin: germline.
Comment: This sequence change replaces arginine, which is basic and polar, with glutamine, which is neutral and polar, at codon 245 of the TMEM231 protein (p.Arg245Gln). This variant is present in population databases (rs756494100, gnomAD 0.003%). This variant has not been reported in the literature in individuals affected with TMEM231-related conditions. ClinVar contains an entry for this variant (Variation ID: 1420178). Algorithms developed to predict the effect of missense changes on protein structure and function are either unavailable or do not agree on the potential impact of this missense change (SIFT: "Tolerated"; PolyPhen-2: "Not Available"; Align-GVGD: "Class C0"). In summary, the available evidence is currently insufficient to determine the role of this variant in disease. Therefore, it has been classified as a Variant of Uncertain Significance.

GeneDx
Classification: Uncertain significance. Last evaluated: 2022-03-07. Review status: criteria provided, single submitter. Criteria: GeneDx Variant Classification Process June 2021. Collection method: clinical testing. Allele origin: germline. Affected: yes.
Comment: Not observed at significant frequency in large population cohorts (gnomAD); In silico analysis supports that this missense variant does not alter protein structure/function; Has not been previously published as pathogenic or benign to our knowledge

NM_001077418.3(TMEM231):c.575G>A (p.Arg192Gln)

Gene: TMEM231 (transmembrane protein 231; minus strand). Cytogenetic location: 16q23.1.
Variant type: single nucleotide variant.
Coding change: c.575G>A on transcript NM_001077418.3 (MANE Select); coding-DNA position 575, G replaced by A.
Protein change: p.Arg192Gln; replaces arginine 192 with glutamine.
Molecular consequence: missense variant. On other transcripts: non-coding transcript variant (1).
Genome position (GRCh38, 1-based): chr16:75,545,359, C>T on the plus strand (G>A on the coding strand, the complement: TMEM231 is on the minus strand). VCF-style: chr16-75545359-C-T. GRCh37 (hg19) VCF-style: chr16-75579257-C-T.
Other names: c.734G>A, p.Arg245Gln (NM_001077416.2); c.662G>A (NM_001077416.1); short protein forms R192Q, R245Q.
Identifiers: ClinVar variation 1420178 (VCV001420178.9), dbSNP rs756494100, ClinGen allele CA8176152.